The following is an entry in ClinVar:

NM_001379291.1(BRD4):c.2713A>G (p.Met905Val)

Gene: BRD4 (bromodomain containing 4; minus strand). Cytogenetic location: 19p13.12.
Variant type: single nucleotide variant.
Coding change: c.2713A>G on transcript NM_001379291.1 (MANE Select); coding-DNA position 2713, A replaced by G.
Protein change: p.Met905Val; replaces methionine 905 with valine.
Molecular consequence: missense variant.
Genome position (GRCh38, 1-based): chr19:15,243,356, T>C on the plus strand (A>G on the coding strand, the complement: BRD4 is on the minus strand). VCF-style: chr19-15243356-T-C. GRCh37 (hg19) VCF-style: chr19-15354167-T-C.
Other names: c.2713A>G, p.Met905Val (NM_058243.3); short protein forms M905V.
Identifiers: ClinVar variation 3572684 (VCV003572684.1).

ClinVar aggregate classification (germline): Uncertain significance (1 of 4 stars; one submission).

gnomAD v4.1: 4 of 917,426 alleles (0.00044%); highest among the groups gnomAD compares: Non-Finnish European, 0.00051%; no homozygotes.

Submission:

GeneDx
Classification: Uncertain significance. Last evaluated: 2024-07-09. Review status: criteria provided, single submitter. Criteria: GeneDx Variant Classification Process June 2021. Collection method: clinical testing. Allele origin: germline. Affected: yes.
Comment: Not observed at significant frequency in large population cohorts (gnomAD); In silico analysis indicates that this missense variant does not alter protein structure/function; Has not been previously published as pathogenic or benign to our knowledge